The following is an entry in ClinVar:

NM_004628.5(XPC):c.1615del (p.Glu539fs)

Gene: XPC (XPC complex subunit, DNA damage recognition and repair factor; minus strand). Cytogenetic location: 3p25.1.
Variant type: Deletion.
Coding change: c.1615del on transcript NM_004628.5 (MANE Select); coding-DNA position 1615, one base deleted (G; older notation c.1615delG).
Protein change: p.Glu539fs; shifts the reading frame from glutamic acid 539.
Molecular consequence: frameshift variant. On other transcripts: non-coding transcript variant (2).
Genome position (GRCh38, 1-based): chr3:14,158,268, C deleted on the plus strand (G on the coding strand, the reverse complement: XPC is on the minus strand); the first of 2 consecutive C bases (chr3:14,158,268-14,158,269); deleting either gives the same sequence. VCF-style (leftmost placement, unchanged base first): chr3-14158267-TC-T. GRCh37 (hg19) VCF-style: chr3-14199767-TC-T.
Other names: c.1036del, p.Glu346fs (NM_001354726.2); c.1615del, p.Glu539fs (NM_001354727.2, NM_001354730.2); c.1597del, p.Glu533fs (NM_001354729.2); short protein forms E346fs, E533fs, E539fs.
Identifiers: ClinVar variation 2829108 (VCV002829108.3), dbSNP rs2470257742, ClinGen allele CA2739279635.

ClinVar aggregate classification (germline): Pathogenic (1 of 4 stars; one submission).

Submission:

Labcorp Genetics (formerly Invitae), Labcorp
Classification: Pathogenic. Last evaluated: 2023-01-16. Review status: criteria provided, single submitter. Criteria: Invitae Variant Classification Sherloc (09022015). Collection method: clinical testing. Allele origin: germline.
Comment: For these reasons, this variant has been classified as Pathogenic. This variant has not been reported in the literature in individuals affected with XPC-related conditions. This variant is not present in population databases (gnomAD no frequency). This sequence change creates a premature translational stop signal (p.Glu539Argfs*7) in the XPC gene. It is expected to result in an absent or disrupted protein product. Loss-of-function variants in XPC are known to be pathogenic (PMID: 23173980, 25256075).

Literature cited by the submitters: PubMed 23173980; PubMed 25256075.